The following is an entry in ClinVar:

NM_173728.4(ARHGEF15):c.715C>T (p.Arg239Cys)

Gene: ARHGEF15 (Rho guanine nucleotide exchange factor 15; plus strand). Cytogenetic location: 17p13.1.
Variant type: single nucleotide variant.
Coding change: c.715C>T on transcript NM_173728.4 (MANE Select); coding-DNA position 715, C replaced by T.
Protein change: p.Arg239Cys; replaces arginine 239 with cysteine.
Molecular consequence: missense variant.
Genome position (GRCh38, 1-based): chr17:8,313,035, C>T. VCF-style: chr17-8313035-C-T. GRCh37 (hg19) VCF-style: chr17-8216353-C-T.
Other names: c.715C>T, p.Arg239Cys (NM_025014.2); short protein forms R239C.
Identifiers: ClinVar variation 530431 (VCV000530431.10), dbSNP rs200249246, ClinGen allele CA8374962.

ClinVar aggregate classification (germline): Uncertain significance (1 of 4 stars; one submission).

Conditions:
Early-infantile DEE. Also called: Early infantile epileptic encephalopathy; Early infantile epileptic encephalopathy with suppression bursts; Ohtahara syndrome. Identifiers: Orphanet 1934, MedGen C0393706, MONDO:0800491.

Allele frequency attached by ClinVar (database versions not stated): TOPMed below 0.00001; gnomAD 0.00001; gnomAD exomes 0.00001; ExAC 0.00002; 1000 Genomes Project 30x 0.00016; 1000 Genomes Project 0.00020.

Submission:

Labcorp Genetics (formerly Invitae), Labcorp
Classification: Uncertain significance for Early-infantile DEE. Last evaluated: 2017-08-27. Review status: criteria provided, single submitter. Criteria: Invitae Variant Classification Sherloc (09022015). Collection method: clinical testing. Allele origin: germline.
Comment: This sequence change replaces arginine with cysteine at codon 239 of the ARHGEF15 protein (p.Arg239Cys). The arginine residue is weakly conserved and there is a large physicochemical difference between arginine and cysteine. This variant is present in population databases (rs200249246, ExAC 0.01%). This variant has not been reported in the literature in individuals with ARHGEF15-related disease. In summary, the available evidence is currently insufficient to determine the role of this variant in disease. Therefore, it has been classified as a Variant of Uncertain Significance. Algorithms developed to predict the effect of missense changes on protein structure and function output the following: SIFT: "Tolerated"; PolyPhen-2: "Benign"; Align-GVGD: "Class C0". The cysteine amino acid residue is found in multiple mammalian species, suggesting that this missense change does not adversely affect protein function. These predictions have not been confirmed by published functional studies and their clinical significance is uncertain.